The following is an entry in ClinVar:

ClinVar aggregate classification (germline): Uncertain significance (1 of 4 stars; one submission).

Conditions:
MYH3-related disorder. Also called: MYH3-Related Disorders; MYH3-related condition. Identifiers: MedGen CN239329.

Submission:

PreventionGenetics, part of Exact Sciences
Classification: Uncertain significance for MYH3-related condition. Last evaluated: 2026-05-08. Review status: criteria provided, single submitter. Criteria: ACMG Guidelines, 2015. Collection method: clinical testing. Allele origin: germline.
Comment: The MYH3 c.2359A>T variant is predicted to result in the amino acid substitution p.Thr787Ser. To our knowledge, this variant has not been reported in the literature or in a large population database (gnomAD), indicating this variant is rare. At this time, the clinical significance of this variant is uncertain due to the absence of conclusive functional and genetic evidence.

NM_002470.4(MYH3):c.2359A>T (p.Thr787Ser)

Gene: MYH3 (myosin heavy chain 3; minus strand). Cytogenetic location: 17p13.1.
Variant type: single nucleotide variant.
Coding change: c.2359A>T on transcript NM_002470.4 (MANE Select); coding-DNA position 2359, A replaced by T.
Protein change: p.Thr787Ser; replaces threonine 787 with serine.
Molecular consequence: missense variant.
Genome position (GRCh38, 1-based): chr17:10,640,400, T>A on the plus strand (A>T on the coding strand, the complement: MYH3 is on the minus strand). VCF-style: chr17-10640400-T-A. GRCh37 (hg19) VCF-style: chr17-10543717-T-A.
Other names: short protein forms T787S.
Identifiers: ClinVar variation 4990888 (VCV004990888.1).